The following is an entry in ClinVar:

ClinVar aggregate classification (germline): Uncertain significance. Review status: criteria provided, multiple submitters, no conflicts (2 of 4 stars). 4 submissions from 4 submitters: Uncertain significance (4). Last evaluated 2025-03-04.

Conditions:
Hereditary cancer-predisposing syndrome. Also called: Hereditary neoplastic syndrome; Tumor predisposition; Hereditary Cancer Syndrome; Neoplastic Syndromes, Hereditary. Identifiers: Orphanet 140162, MedGen C0027672, MeSH D009386, MONDO:0015356.
Hereditary diffuse gastric adenocarcinoma (HDGC). Also called: DIFFUSE GASTRIC AND LOBULAR BREAST CANCER SYNDROME. Identifiers: Orphanet 26106, MedGen C1708349, MONDO:0007648, OMIM 137215.

Allele frequency attached by ClinVar (database versions not stated): gnomAD exomes below 0.00001; ExAC 0.00001.
gnomAD v4.1: 2 of 1,613,984 alleles (0.00012%); highest among the groups gnomAD compares: Non-Finnish European, 0.00017%; no homozygotes.

Submissions (4):

Center for Genomic Medicine, Rigshospitalet, Copenhagen University Hospital
Classification: Uncertain significance. Last evaluated: 2025-03-04. Review status: criteria provided, single submitter. Criteria: ACMG Guidelines, 2015. Collection method: clinical testing. Allele origin: germline.

Color Diagnostics, LLC DBA Color Health
Classification: Uncertain significance for Hereditary cancer-predisposing syndrome. Last evaluated: 2023-12-05. Review status: criteria provided, single submitter. Criteria: ACMG Guidelines, 2015. Collection method: clinical testing. Allele origin: germline.
Comment: This missense variant replaces aspartic acid with valine at codon 104 of the CDH1 protein. To our knowledge, functional studies have not been reported for this variant. This variant has not been reported in individuals affected with CDH1-related disorders in the literature. This variant has not been identified in the general population by the Genome Aggregation Database (gnomAD). The available evidence is insufficient to determine the role of this variant in disease conclusively. Therefore, this variant is classified as a Variant of Uncertain Significance.

Labcorp Genetics (formerly Invitae), Labcorp
Classification: Uncertain significance for Hereditary diffuse gastric adenocarcinoma. Last evaluated: 2023-03-13. Review status: criteria provided, single submitter. Criteria: Invitae Variant Classification Sherloc (09022015). Collection method: clinical testing. Allele origin: germline.
Comment: An algorithm developed to predict the effect of missense changes on protein structure and function (PolyPhen-2) suggests that this variant is likely to be disruptive. In summary, the available evidence is currently insufficient to determine the role of this variant in disease. Therefore, it has been classified as a Variant of Uncertain Significance. ClinVar contains an entry for this variant (Variation ID: 580529). This variant has not been reported in the literature in individuals affected with CDH1-related conditions. This variant is not present in population databases (gnomAD no frequency). This sequence change replaces aspartic acid, which is acidic and polar, with valine, which is neutral and non-polar, at codon 104 of the CDH1 protein (p.Asp104Val).

Ambry Genetics
Classification: Uncertain significance for Hereditary cancer-predisposing syndrome. Last evaluated: 2020-10-15. Review status: criteria provided, single submitter. Criteria: Ambry Variant Classification Scheme 2023. Collection method: clinical testing. Allele origin: germline.
Comment: The p.D104V variant (also known as c.311A>T), located in coding exon 3 of the CDH1 gene, results from an A to T substitution at nucleotide position 311. The aspartic acid at codon 104 is replaced by valine, an amino acid with highly dissimilar properties. This amino acid position is highly conserved in available vertebrate species. In addition, this alteration is predicted to be deleterious by in silico analysis. Since supporting evidence is limited at this time, the clinical significance of this alteration remains unclear.

NM_004360.5(CDH1):c.311A>T (p.Asp104Val)

Gene: CDH1 (cadherin 1; plus strand). Cytogenetic location: 16q22.1.
Variant type: single nucleotide variant.
Coding change: c.311A>T on transcript NM_004360.5 (MANE Select); coding-DNA position 311, A replaced by T.
Protein change: p.Asp104Val; replaces aspartic acid 104 with valine.
Molecular consequence: missense variant. On other transcripts: 5 prime UTR variant (2).
Genome position (GRCh38, 1-based): chr16:68,801,817, A>T. VCF-style: chr16-68801817-A-T. GRCh37 (hg19) VCF-style: chr16-68835720-A-T.
Other names: c.311A>T (LRG_301t1); c.311A>T, p.Asp104Val (NM_001317184.2); c.-1305A>T (NM_001317185.2); c.-1509A>T (NM_001317186.2); short protein forms D104V.
Identifiers: ClinVar variation 580529 (VCV000580529.22), dbSNP rs760351575, ClinGen allele CA8129827.